The following is an entry in ClinVar:

NM_213595.4(ISCU):c.339+14C>T

Gene: ISCU (iron-sulfur cluster assembly enzyme; plus strand). Cytogenetic location: 12q23.3.
Variant type: single nucleotide variant.
Coding change: c.339+14C>T on transcript NM_213595.4 (MANE Select); 14 bases into the intron after coding-DNA position 339, C replaced by T.
Molecular consequence: intron variant.
Genome position (GRCh38, 1-based): chr12:108,565,445, C>T. VCF-style: chr12-108565445-C-T. GRCh37 (hg19) VCF-style: chr12-108959221-C-T.
Other names: c.264+14C>T (NM_014301.4); c.339+14C>T (NM_001320042.1, NM_001301140.1, NM_001301141.1).
Identifiers: ClinVar variation 392116 (VCV000392116.1), dbSNP rs770808877, ClinGen allele CA16606353.

ClinVar aggregate classification (germline): Likely benign (1 of 4 stars; one submission).

Submission:

GeneDx
Classification: Likely benign. Last evaluated: 2017-01-05. Review status: criteria provided, single submitter. Criteria: GeneDx Variant Classification (06012015). Collection method: clinical testing. Allele origin: germline. Affected: yes.
Comment: This variant is considered likely benign or benign based on one or more of the following criteria: it is a conservative change, it occurs at a poorly conserved position in the protein, it is predicted to be benign by multiple in silico algorithms, and/or has population frequency not consistent with disease.